The following is an entry in ClinVar:

NM_001042413.2(GLIS3):c.1480G>A (p.Asp494Asn)

Gene: GLIS3 (GLIS family zinc finger 3; minus strand). Cytogenetic location: 9p24.2.
Variant type: single nucleotide variant.
Coding change: c.1480G>A on transcript NM_001042413.2 (MANE Select); coding-DNA position 1480, G replaced by A.
Protein change: p.Asp494Asn; replaces aspartic acid 494 with asparagine.
Molecular consequence: missense variant.
Genome position (GRCh38, 1-based): chr9:4,117,998, C>T on the plus strand (G>A on the coding strand, the complement: GLIS3 is on the minus strand). VCF-style: chr9-4117998-C-T. GRCh37 (hg19) VCF-style: chr9-4117998-C-T.
Other names: c.1480G>A, p.Asp494Asn (NM_001438906.1, NM_001438907.1, NM_001438908.1 and 2 more transcripts); c.1015G>A, p.Asp339Asn (NM_001438909.1, NM_001438915.1, NM_152629.4); c.814G>A, p.Asp272Asn (NM_001438911.1, NM_001438912.1, NM_001438916.1); short protein forms D272N, D339N, D494N.
Identifiers: ClinVar variation 4527204 (VCV004527204.1).

ClinVar aggregate classification (germline): Uncertain significance (1 of 4 stars; one submission).

gnomAD v4.1: 40 of 1,610,452 alleles (0.0025%); highest among the groups gnomAD compares: Admixed American, 0.0083%; no homozygotes.

Submission:

GeneDx
Classification: Uncertain significance. Last evaluated: 2025-04-24. Review status: criteria provided, single submitter. Criteria: GeneDx Variant Classification Process June 2021. Collection method: clinical testing. Allele origin: germline. Affected: yes.
Comment: In silico analysis indicates that this missense variant does not alter protein structure/function; Has not been previously published as pathogenic or benign to our knowledge